The following is an entry in ClinVar:

ClinVar aggregate classification (germline): Uncertain significance (1 of 4 stars; one submission).

Allele frequency attached by ClinVar (database versions not stated): ExAC 0.00001; gnomAD 0.00001; gnomAD exomes 0.00001; TOPMed 0.00001.
gnomAD v4.1: 33 of 1,612,446 alleles (0.002%); highest among the groups gnomAD compares: Non-Finnish European, 0.0025%; no homozygotes.

Submission:

Labcorp Genetics (formerly Invitae), Labcorp
Classification: Uncertain significance. Last evaluated: 2021-07-28. Review status: criteria provided, single submitter. Criteria: Invitae Variant Classification Sherloc (09022015). Collection method: clinical testing. Allele origin: germline.
Comment: This sequence change replaces glycine with cysteine at codon 860 of the LIG1 protein (p.Gly860Cys). The glycine residue is highly conserved and there is a large physicochemical difference between glycine and cysteine. This variant is present in population databases (rs746525445, ExAC 0.002%). This variant has not been reported in the literature in individuals affected with LIG1-related conditions. Algorithms developed to predict the effect of missense changes on protein structure and function (SIFT, PolyPhen-2, Align-GVGD) all suggest that this variant is likely to be disruptive. Algorithms developed to predict the effect of sequence changes on RNA splicing suggest that this variant may create or strengthen a splice site. In summary, the available evidence is currently insufficient to determine the role of this variant in disease. Therefore, it has been classified as a Variant of Uncertain Significance.

NM_000234.3(LIG1):c.2578G>T (p.Gly860Cys)

Gene: LIG1 (DNA ligase 1; minus strand). Cytogenetic location: 19q13.33.
Variant type: single nucleotide variant.
Coding change: c.2578G>T on transcript NM_000234.3 (MANE Select); coding-DNA position 2578, G replaced by T.
Protein change: p.Gly860Cys; replaces glycine 860 with cysteine.
Molecular consequence: missense variant. On other transcripts: non-coding transcript variant (6).
Genome position (GRCh38, 1-based): chr19:48,117,643, C>A on the plus strand (G>T on the coding strand, the complement: LIG1 is on the minus strand). VCF-style: chr19-48117643-C-A. GRCh37 (hg19) VCF-style: chr19-48620900-C-A.
Other names: c.2485G>T, p.Gly829Cys (NM_001289063.2); c.2374G>T, p.Gly792Cys (NM_001289064.2); c.2575G>T, p.Gly859Cys (NM_001320970.2); c.2488G>T, p.Gly830Cys (NM_001320971.2); short protein forms G792C, G830C, G860C, G829C, G859C.
Identifiers: ClinVar variation 1485790 (VCV001485790.3), dbSNP rs746525445, ClinGen allele CA9546363.
Genomic context (GRCh38, chr19:48,117,643, plus strand): 5'-TGTGTGCCCGCCCAGAATCCCACACAGGGCCACGGCCAGGTCCTCTGCCACTCACCAGGC[C>A]CCGCGCAGCAGGGTAGATGGGAGAGAGGGAGAGGTCAGCGCACTTCACCTCCCACACAGC-3'
Protein context (NP_000225.1, residues 850-870): SLSPIYPAAR[Gly860Cys]LVDSDKGISL